The following is an entry in ClinVar:

ClinVar aggregate classification (germline): Uncertain significance (1 of 4 stars; one submission).

Conditions:
Hypercholesterolemia, autosomal dominant, 3 (FHCL3). Also called: Familial Hypercholesterolemia, Autosomal Dominant, 3; Familial hypercholesterolemia 3; PCSK9-Related Familial Hypercholesterolemia, Autosomal Dominant. Identifiers: MedGen C1863551, MONDO:0011369, OMIM 603776.

Submission:

Labcorp Genetics (formerly Invitae), Labcorp
Classification: Uncertain significance for Hypercholesterolemia, autosomal dominant, 3. Last evaluated: 2023-09-29. Review status: criteria provided, single submitter. Criteria: Invitae Variant Classification Sherloc (09022015). Collection method: clinical testing. Allele origin: germline.
Comment: In summary, the available evidence is currently insufficient to determine the role of this variant in disease. Therefore, it has been classified as a Variant of Uncertain Significance. This variant has not been reported in the literature in individuals affected with PCSK9-related conditions. This variant, c.106_111dup, results in the insertion of 2 amino acid(s) of the PCSK9 protein (p.Gly36_Asp37dup), but otherwise preserves the integrity of the reading frame. This variant is not present in population databases (gnomAD no frequency).

NM_174936.4(PCSK9):c.106_111dup (p.Asp37_Tyr38insGlyAsp)

Gene: PCSK9 (proprotein convertase subtilisin/kexin type 9; plus strand). Cytogenetic location: 1p32.3.
Variant type: Duplication.
Coding change: c.106_111dup on transcript NM_174936.4 (MANE Select); coding-DNA positions 106 to 111, 6 bases duplicated (GGCGAC; older notation c.106_111dupGGCGAC).
Protein change: p.Asp37_Tyr38insGlyAsp.
Molecular consequence: inframe insertion. On other transcripts: 5 prime UTR variant (1), non-coding transcript variant (8).
Genome position (GRCh38, 1-based): chr1:55,039,943-55,039,948, GGCGAC duplicated; duplicating any 6 consecutive bases within chr1:55,039,940-55,039,948 gives the same sequence; the c. name uses the placement nearest the transcript's 3' end. VCF-style (leftmost placement, unchanged base first): chr1-55039939-G-GGACGGC. GRCh37 (hg19) VCF-style: chr1-55505612-G-GGACGGC.
Other names: c.106_111dup, p.Asp37_Tyr38insGlyAsp (NM_001407240.1, NM_001407241.1, NM_001407242.1 and 4 more transcripts); c.-629_-624dup (NM_001407246.1).
Identifiers: ClinVar variation 2764217 (VCV002764217.3), dbSNP rs2523164318, ClinGen allele CA2697552435.